The following is an entry in ClinVar:

ClinVar aggregate classification (germline): Pathogenic (1 of 4 stars; one submission).

Conditions:
Neurofibromatosis, type 1 (NF1). Also called: Peripheral type neurofibromatosis; VON RECKLINGHAUSEN DISEASE; NEUROFIBROMATOSIS, TYPE I, SOMATIC; Neurofibromatosis, type I. Identifiers: Orphanet 636, MedGen C0027831, MONDO:0018975, OMIM 162200. Disease mechanism: loss of function.

Submission:

Labcorp Genetics (formerly Invitae), Labcorp
Classification: Pathogenic for Neurofibromatosis, type 1. Last evaluated: 2024-09-03. Review status: criteria provided, single submitter. Criteria: Invitae Variant Classification Sherloc (09022015). Collection method: clinical testing. Allele origin: germline.
Comment: This sequence change creates a premature translational stop signal (p.Gln1126Hisfs*68) in the NF1 gene. It is expected to result in an absent or disrupted protein product. Loss-of-function variants in NF1 are known to be pathogenic (PMID: 10712197, 23913538). This variant is not present in population databases (gnomAD no frequency). This variant has not been reported in the literature in individuals affected with NF1-related conditions. For these reasons, this variant has been classified as Pathogenic.

Literature cited by the submitters: PubMed 10712197; PubMed 23913538.

NM_001042492.3(NF1):c.3378_3379del (p.Gln1126fs)

Gene: NF1 (neurofibromin 1; plus strand). Cytogenetic location: 17q11.2.
Variant type: Deletion.
Coding change: c.3378_3379del on transcript NM_001042492.3 (MANE Select); coding-DNA positions 3378 to 3379, 2 bases deleted (AA; older notation c.3378_3379delAA).
Protein change: p.Gln1126fs; shifts the reading frame from glutamine 1126.
Molecular consequence: frameshift variant.
Genome position (GRCh38, 1-based): chr17:31,232,763-31,232,764, AA deleted; deleting any 2 consecutive bases within chr17:31,232,762-31,232,764 gives the same sequence; the c. name uses the placement nearest the transcript's 3' end. VCF-style (leftmost placement, unchanged base first): chr17-31232761-CAA-C. GRCh37 (hg19) VCF-style: chr17-29559779-CAA-C.
Other names: c.3378_3379delAA, p.Gln1126Hisfs (NM_000267.4); short protein forms Q1126fs.
Identifiers: ClinVar variation 3664313 (VCV003664313.2).